The following is an entry in ClinVar:

NM_014495.4(ANGPTL3):c.73T>C (p.Ser25Pro)

Genes: ANGPTL3 (angiopoietin like 3; plus strand), DOCK7 (dedicator of cytokinesis 7; minus strand). Cytogenetic location: 1p31.3.
Variant type: single nucleotide variant.
Coding change: c.73T>C on transcript NM_014495.4 (MANE Select); coding-DNA position 73, T replaced by C.
Protein change: p.Ser25Pro; replaces serine 25 with proline.
Molecular consequence: missense variant. On other transcripts: intron variant (7).
Genome position (GRCh38, 1-based): chr1:62,597,639, T>C. VCF-style: chr1-62597639-T-C. GRCh37 (hg19) VCF-style: chr1-63063310-T-C.
Other names: c.1683-11015A>G (NM_001272001.2, NM_001272000.2, NM_033407.4 and 4 more transcripts); short protein forms S25P.
Identifiers: ClinVar variation 1937707 (VCV001937707.5), dbSNP rs746135169, ClinGen allele CA23748231.

ClinVar aggregate classification (germline): Uncertain significance (1 of 4 stars; one submission).

Allele frequency attached by ClinVar (database versions not stated): gnomAD exomes below 0.00001; gnomAD 0.00001; TOPMed 0.00003.
gnomAD v4.1: 5 of 1,613,152 alleles (0.00031%); highest among the groups gnomAD compares: Non-Finnish European, 0.00042%; no homozygotes.

Submission:

Labcorp Genetics (formerly Invitae), Labcorp
Classification: Uncertain significance. Last evaluated: 2022-06-22. Review status: criteria provided, single submitter. Criteria: Invitae Variant Classification Sherloc (09022015). Collection method: clinical testing. Allele origin: germline.
Comment: This variant is not present in population databases (gnomAD no frequency). This variant has not been reported in the literature in individuals affected with ANGPTL3-related conditions. Algorithms developed to predict the effect of missense changes on protein structure and function output the following: SIFT: "Tolerated"; PolyPhen-2: "Benign"; Align-GVGD: "Class C0". The proline amino acid residue is found in multiple mammalian species, which suggests that this missense change does not adversely affect protein function. In summary, the available evidence is currently insufficient to determine the role of this variant in disease. Therefore, it has been classified as a Variant of Uncertain Significance. This sequence change replaces serine, which is neutral and polar, with proline, which is neutral and non-polar, at codon 25 of the ANGPTL3 protein (p.Ser25Pro).